The following is an entry in ClinVar:

ClinVar aggregate classification (germline): Likely pathogenic. Review status: criteria provided, multiple submitters, no conflicts (2 of 4 stars). 3 submissions from 2 submitters: Likely pathogenic (3). Last evaluated 2026-05-27.

Conditions:
Hereditary breast ovarian cancer syndrome. Also called: BRCA1- and BRCA2-Associated Hereditary Breast and Ovarian Cancer; Hereditary breast and ovarian cancer syndrome; Hereditary breast and ovarian cancer; Hereditary breast and ovarian cancer syndrome (HBOC); Breast and ovarian cancer; Hereditary breast and/or ovarian cancer syndrome. Identifiers: Orphanet 145, MedGen C0677776, MeSH D061325, MONDO:0003582. Disease mechanism: loss of function.
CHEK2-related cancer predisposition (TPDS4). Also called: TUMOR PREDISPOSITION SYNDROME 4; CANCER PREDISPOSITION SYNDROME, CHEK2-RELATED; CHEK2-related cancer susceptibility. Identifiers: Orphanet 524, MedGen C5882668, MONDO:0700271, OMIM 609265.
Familial cancer of breast. Also called: BREAST CANCER, FAMILIAL; Hereditary breast cancer; hereditary breast carcinoma. Identifiers: Orphanet 227535, MedGen C0346153, MONDO:0016419, OMIM 114480. Disease mechanism: loss of function.

Submissions (3):

Institute of Human Genetics, University of Leipzig Medical Center
Classification: Likely pathogenic for CHEK2-related cancer predisposition. Last evaluated: 2026-05-27. Review status: criteria provided, single submitter. Criteria: ACMG Guidelines, 2015. Collection method: clinical testing. Allele origin: unknown. Affected: yes.
Comment: Criteria applied: PVS1_STR,PS4_MOD

Institute of Human Genetics, University of Leipzig Medical Center
Classification: Likely pathogenic for Familial cancer of breast. Last evaluated: 2025-08-06. Review status: criteria provided, single submitter. Criteria: ACMG Guidelines, 2015. Collection method: clinical testing. Allele origin: unknown. Inheritance: Autosomal dominant inheritance. Affected: yes.
Comment: the same text as in the submission from Institute of Human Genetics, University of Leipzig Medical Center above.

German Consortium for Hereditary Breast and Ovarian Cancer, University Hospital Cologne
Classification: Likely pathogenic for Hereditary breast ovarian cancer syndrome. Last evaluated: 2025-02-21. Review status: criteria provided, single submitter. Criteria: ACMG Guidelines, 2015. Collection method: curation. Allele origin: germline.
Comment: According to the ACMG SVI adaptation criteria we chose these criteria: PVS1 (strong pathogenic): Zemankova 2024, >90% aberrant transcript leading to NMD/mRN degradation due to fs + pretranslational stop. => PVS1-strong nach Walker et al.., 2023, PS4 (medium pathogenic): Zemankova 2024: OR 6,7; 21/10,204 (0.21%) female BC cases (Table 1) and only in 1/3250 (0.03%) PMC (OR = 6.7; 95%CI 1.08–276.88, p = 0.04).

NM_007194.4(CHEK2):c.1009-118_1009-87delinsC

Gene: CHEK2 (checkpoint kinase 2; minus strand). Cytogenetic location: 22q12.1.
Variant type: Indel.
Coding change: c.1009-118_1009-87delinsC on transcript NM_007194.4 (MANE Select); 118 bases into the intron before coding-DNA position 1009 through 87 bases into the intron before coding-DNA position 1009, the reference bases replaced by C.
Molecular consequence: intron variant.
Genome position (GRCh38, 1-based): chr22:28,697,074-28,697,105, 32 bases replaced. GRCh37 (hg19): chr22:29,093,062-29,093,093.
Other names: c.346-118_346-87delinsC (NM_001437942.1, NM_001257387.3); c.808-118_808-87delinsC (NM_001349956.3); c.1009-1232_1009-1201delinsC (NM_145862.3); c.1102-1232_1102-1201delinsC (NM_001438295.1); c.1102-118_1102-87delinsC (NM_001438293.1); c.1138-1232_1138-1201delinsC (NM_001438294.1); c.1138-118_1138-87delinsC (NM_001005735.3).
Identifiers: ClinVar variation 3747853 (VCV003747853.3).